The following is an entry in ClinVar:

NM_004036.5(ADCY3):c.1100G>A (p.Gly367Asp)

Gene: ADCY3 (adenylate cyclase 3; minus strand). Cytogenetic location: 2p23.3.
Variant type: single nucleotide variant.
Coding change: c.1100G>A on transcript NM_004036.5 (MANE Select); coding-DNA position 1100, G replaced by A.
Protein change: p.Gly367Asp; replaces glycine 367 with aspartic acid.
Molecular consequence: missense variant.
Genome position (GRCh38, 1-based): chr2:24,841,355, C>T on the plus strand (G>A on the coding strand, the complement: ADCY3 is on the minus strand). VCF-style: chr2-24841355-C-T. GRCh37 (hg19) VCF-style: chr2-25064224-C-T.
Other names: c.1100G>A, p.Gly367Asp (NM_001320613.2, NM_001377128.1, NM_001377129.1 and 2 more transcripts); c.377G>A, p.Gly126Asp (NM_001377131.1); short protein forms G367D, G126D.
Identifiers: ClinVar variation 4991174 (VCV004991174.1).
Genomic context (GRCh38, chr2:24,841,355, plus strand): 5'-GAGCAGACGGCGTGGTCCTCCCGGTAGTCGGGCAAGCCGCAGATGCAGTAGTAGCAGTCG[C>T]CCAGGATCTTAATCCGCAGCTGGTGGTATTTCTGAAAGGGGAGGGCCTGGCCTGTGCTCC-3'
Protein context (NP_004027.2, residues 357-377): KYHQLRIKIL[Gly367Asp]DCYYCICGLP

ClinVar aggregate classification (germline): Uncertain significance (1 of 4 stars; one submission).

Conditions:
ADCY3-related disorder. Also called: ADCY3-related condition.

gnomAD v4.1: 1 of 1,607,166 alleles (0.000062%); highest among the groups gnomAD compares: Non-Finnish European, 0.000085%; no homozygotes.

Submission:

PreventionGenetics, part of Exact Sciences
Classification: Uncertain significance for ADCY3-related condition. Last evaluated: 2026-03-20. Review status: criteria provided, single submitter. Criteria: ACMG Guidelines, 2015. Collection method: clinical testing. Allele origin: germline.
Comment: The ADCY3 c.1100G>A variant is predicted to result in the amino acid substitution p.Gly367Asp. To our knowledge, this variant has not been reported in the literature or in a large population database (gnomAD), indicating this variant is rare. At this time, the clinical significance of this variant is uncertain due to the absence of conclusive functional and genetic evidence.